The following is an entry in ClinVar:

NM_000350.3(ABCA4):c.3682G>A (p.Glu1228Lys)

Genes: ABCA4 (ATP binding cassette subfamily A member 4; minus strand), LOC126805794 (BRD4-independent group 4 enhancer GRCh37_chr1:94502188-94503387; plus strand). Cytogenetic location: 1p22.1.
Variant type: single nucleotide variant.
Coding change: c.3682G>A on transcript NM_000350.3 (MANE Select); coding-DNA position 3682, G replaced by A.
Protein change: p.Glu1228Lys; replaces glutamic acid 1228 with lysine.
Molecular consequence: missense variant.
Genome position (GRCh38, 1-based): chr1:94,037,276, C>T on the plus strand (G>A on the coding strand, the complement: ABCA4 is on the minus strand). VCF-style: chr1-94037276-C-T. GRCh37 (hg19) VCF-style: chr1-94502832-C-T.
Other names: NM_000350.3:c.3682G>A; c.3460G>A, p.Glu1154Lys (NM_001425324.1); short protein forms E1154K, E1228K.
Identifiers: ClinVar variation 4849237 (VCV004849237.2).
Genomic context (GRCh38, chr1:94,037,276, plus strand): 5'-TGAAAAGGCTGGCATATGCTCTGTGCTTGAAGTTCTTATTTGGAAGAAGGAAGATAAGTT[C>T]TTGACCAATGCACTCCACCAGCTTTGCCTCTGGAACATGGTGGAGAACTACATCCATCAG-3'
Protein context (NP_000341.2, residues 1218-1238): EAKLVECIGQ[Glu1228Lys]LIFLLPNKNF

ClinVar aggregate classification (germline): Uncertain significance. Review status: reviewed by expert panel (3 of 4 stars). 2 submissions from 2 submitters: Uncertain significance (1). 1 of the submissions does not count toward it. Last evaluated 2026-03-24.

Conditions:
ABCA4-related retinopathy. Also called: ABCA4-related retinoapthy; ABCA4 retinoapthy. Identifiers: MedGen CN322612, MONDO:0800406.
ABCA4-related disorder. Also called: ABCA4-related condition; ABCA4-related disorders. Identifiers: MedGen CN239167.

gnomAD v4.1: 1 of 1,614,234 alleles (0.000062%); highest among the groups gnomAD compares: East Asian, 0.0022%; no homozygotes.

Submissions (2):

ClinGen ABCA4 Variant Curation Expert Panel, Clingen
Classification: Uncertain significance for ABCA4-related retinopathy. Last evaluated: 2026-03-24. Review status: reviewed by expert panel. Criteria: ClinGen ABCA4 ACMG Specifications V1.0.0. Collection method: curation. Allele origin: germline. Inheritance: Autosomal recessive inheritance.
Comment: The NM_000350.3(ABCA4):c.3682G>A; p.Glu1228Lys variant in ABCA4 is a missense variant predicted to cause substitution of glutamic acid by lysine at amino acid 1228. The total minor allele frequency in gnomAD v4.1.0 is 0.0000006195 (1/1614234 alleles) meeting PM2_Supporting. The computational predictor REVEL gives a score of 0.823 which is above the threshold of >0.772 meeting PP3_Moderate. In summary, this variant meets the criteria to be classified as a variant of uncertain significance for ABCA4-related retinopathy based on the ACMG/AMP criteria applied, as specified by the ClinGen ABCA4 VCEP (Specification Version 1.0.0): PM2_Supporting, PP3_Moderate.

Blueprint Genetics
Classification: Likely pathogenic for ABCA4-related disorders. Last evaluated: 2020-10-06. Review status: criteria provided, single submitter. Criteria: ACMG Guidelines, 2015. Collection method: clinical testing. Allele origin: germline. Affected: yes. Observed: 2 variant alleles. Not counted in ClinVar's aggregate classification.